The following is an entry in ClinVar:

ClinVar aggregate classification (germline): Conflicting classifications of pathogenicity. Review status: criteria provided, conflicting classifications (1 of 4 stars). 4 submissions from 4 submitters: Uncertain significance (1); Likely benign (3). Last evaluated 2025-11-09.

Conditions:
Inborn genetic diseases. Identifiers: MedGen C0950123, MeSH D030342.
Niemann-Pick disease, type C2 (NPC2). Identifiers: Orphanet 646, MedGen C1843366, MONDO:0011873, OMIM 607625.

Allele frequency attached by ClinVar (database versions not stated): gnomAD exomes 0.00001 and 0.00005; ExAC 0.00002; gnomAD 0.00005 and 0.00006; TOPMed 0.00006.
gnomAD v4.1: 78 of 1,614,026 alleles (0.0048%); highest among the groups gnomAD compares: Non-Finnish European, 0.0064%; no homozygotes.

Submissions (4):

Labcorp Genetics (formerly Invitae), Labcorp
Classification: Likely benign for Niemann-Pick disease, type C2. Last evaluated: 2025-11-09. Review status: criteria provided, single submitter. Criteria: Invitae Variant Classification Sherloc (09022015). Collection method: clinical testing. Allele origin: germline.

CeGaT Center for Human Genetics Tuebingen
Classification: Likely benign. Last evaluated: 2022-04-01. Review status: criteria provided, single submitter. Criteria: CeGaT Center For Human Genetics Tuebingen Variant Classification Criteria Version 2. Collection method: clinical testing. Allele origin: germline. Affected: yes. Observed: 1 variant allele.
Comment: NPC2: BP4, BP7

Ambry Genetics
Classification: Likely benign for Inborn genetic diseases. Last evaluated: 2021-11-02. Review status: criteria provided, single submitter. Criteria: Ambry Variant Classification Scheme 2023. Collection method: clinical testing. Allele origin: germline.

Eurofins Ntd Llc (ga)
Classification: Uncertain significance. Last evaluated: 2017-10-20. Review status: criteria provided, single submitter. Criteria: EGL Classification Definitions 2015. Collection method: clinical testing. Allele origin: germline. Observed: 2 variant alleles, 2 heterozygotes.

NM_006432.5(NPC2):c.270T>C (p.Pro90=)

Gene: NPC2 (NPC intracellular cholesterol transporter 2; minus strand). Cytogenetic location: 14q24.3.
Variant type: single nucleotide variant.
Coding change: c.270T>C on transcript NM_006432.5 (MANE Select); coding-DNA position 270, T replaced by C.
Protein change: p.Pro90=; no amino-acid change (proline 90 retained).
Molecular consequence: synonymous variant.
Genome position (GRCh38, 1-based): chr14:74,484,508, A>G on the plus strand (T>C on the coding strand, the complement: NPC2 is on the minus strand). VCF-style: chr14-74484508-A-G. GRCh37 (hg19) VCF-style: chr14-74951211-A-G.
Other names: c.270T>C, p.Pro90= (NM_001363688.1, NM_001375440.1).
Identifiers: ClinVar variation 286701 (VCV000286701.38), dbSNP rs758503440, ClinGen allele CA7268156.